The following is an entry in ClinVar:

NM_138386.3(NAF1):c.388A>C (p.Ser130Arg)

Gene: NAF1 (nuclear assembly factor 1 ribonucleoprotein; minus strand). Cytogenetic location: 4q32.2.
Variant type: single nucleotide variant.
Coding change: c.388A>C on transcript NM_138386.3 (MANE Select); coding-DNA position 388, A replaced by C.
Protein change: p.Ser130Arg; replaces serine 130 with arginine.
Molecular consequence: missense variant.
Genome position (GRCh38, 1-based): chr4:163,164,369, T>G on the plus strand (A>C on the coding strand, the complement: NAF1 is on the minus strand). VCF-style: chr4-163164369-T-G. GRCh37 (hg19) VCF-style: chr4-164085521-T-G.
Other names: c.388A>C, p.Ser130Arg (NM_001128931.2); c.388A>C (NM_138386.2); short protein forms S130R.
Identifiers: ClinVar variation 3721729 (VCV003721729.3).

ClinVar aggregate classification (germline): Uncertain significance. Review status: criteria provided, multiple submitters, no conflicts (2 of 4 stars). 2 submissions from 2 submitters: Uncertain significance (2). Last evaluated 2025-08-25.

Submissions (2):

Ambry Genetics
Classification: Uncertain significance. Last evaluated: 2025-08-25. Review status: criteria provided, single submitter. Criteria: Ambry Variant Classification Scheme 2023. Collection method: clinical testing. Allele origin: germline.

Labcorp Genetics (formerly Invitae), Labcorp
Classification: Uncertain significance. Last evaluated: 2024-10-05. Review status: criteria provided, single submitter. Criteria: Invitae Variant Classification Sherloc (09022015). Collection method: clinical testing. Allele origin: germline.
Comment: This sequence change replaces serine, which is neutral and polar, with arginine, which is basic and polar, at codon 130 of the NAF1 protein (p.Ser130Arg). This variant is not present in population databases (gnomAD no frequency). This variant has not been reported in the literature in individuals affected with NAF1-related conditions. An algorithm developed to predict the effect of missense changes on protein structure and function (PolyPhen-2) suggests that this variant is likely to be disruptive. In summary, the available evidence is currently insufficient to determine the role of this variant in disease. Therefore, it has been classified as a Variant of Uncertain Significance.